The following is an entry in ClinVar:

NM_020699.4(GATAD2B):c.1391C>T (p.Ala464Val)

Gene: GATAD2B (GATA zinc finger domain containing 2B; minus strand). Cytogenetic location: 1q21.3.
Variant type: single nucleotide variant.
Coding change: c.1391C>T on transcript NM_020699.4 (MANE Select); coding-DNA position 1391, C replaced by T.
Protein change: p.Ala464Val; replaces alanine 464 with valine.
Molecular consequence: missense variant.
Genome position (GRCh38, 1-based): chr1:153,813,278, G>A on the plus strand (C>T on the coding strand, the complement: GATAD2B is on the minus strand). VCF-style: chr1-153813278-G-A. GRCh37 (hg19) VCF-style: chr1-153785754-G-A.
Other names: short protein forms A464V.
Identifiers: ClinVar variation 2802105 (VCV002802105.3), dbSNP rs1281702623, ClinGen allele CA342523863.

ClinVar aggregate classification (germline): Uncertain significance (1 of 4 stars; one submission).

Submission:

Labcorp Genetics (formerly Invitae), Labcorp
Classification: Uncertain significance. Last evaluated: 2023-09-10. Review status: criteria provided, single submitter. Criteria: Invitae Variant Classification Sherloc (09022015). Collection method: clinical testing. Allele origin: germline.
Comment: This variant is not present in population databases (gnomAD no frequency). This sequence change replaces alanine, which is neutral and non-polar, with valine, which is neutral and non-polar, at codon 464 of the GATAD2B protein (p.Ala464Val). This variant has not been reported in the literature in individuals affected with GATAD2B-related conditions. In summary, the available evidence is currently insufficient to determine the role of this variant in disease. Therefore, it has been classified as a Variant of Uncertain Significance. Advanced modeling of protein sequence and biophysical properties (such as structural, functional, and spatial information, amino acid conservation, physicochemical variation, residue mobility, and thermodynamic stability) performed at Invitae indicates that this missense variant is expected to disrupt GATAD2B protein function.